The following is an entry in ClinVar:

NM_152558.5(IQCE):c.1198C>T (p.Leu400=)

Gene: IQCE (IQ motif containing E; plus strand). Cytogenetic location: 7p22.3.
Variant type: single nucleotide variant.
Coding change: c.1198C>T on transcript NM_152558.5 (MANE Select); coding-DNA position 1198, C replaced by T.
Protein change: p.Leu400=; no amino-acid change (leucine 400 retained).
Molecular consequence: synonymous variant.
Genome position (GRCh38, 1-based): chr7:2,590,060, C>T. VCF-style: chr7-2590060-C-T. GRCh37 (hg19) VCF-style: chr7-2629694-C-T.
Other names: c.1198C>T (NM_152558.4); c.1198C>T, p.Leu400= (NM_001287499.2); c.1150C>T, p.Leu384= (NM_001287500.2, NM_001410865.1); c.1003C>T, p.Leu335= (NM_001287501.2, NM_001287502.2).
Identifiers: ClinVar variation 2657235 (VCV002657235.25), dbSNP rs186163271, ClinGen allele CA4129071.

ClinVar aggregate classification (germline): Likely benign. Review status: criteria provided, single submitter (1 of 4 stars). 2 submissions from 2 submitters: Likely benign (1). 1 of the submissions does not count toward it. Last evaluated 2026-07-01.

Conditions:
IQCE-related disorder. Also called: IQCE-related condition.

Allele frequency attached by ClinVar (database versions not stated): gnomAD 0.00016; ESP Exome Variant Server 0.00032; 1000 Genomes Project 0.00060; TOPMed 0.00069.

Submissions (2):

CeGaT Center for Human Genetics Tuebingen
Classification: Likely benign. Last evaluated: 2026-07-01. Review status: criteria provided, single submitter. Criteria: CeGaT Center For Human Genetics Tuebingen Variant Classification Criteria Version 2. Collection method: clinical testing. Allele origin: germline. Affected: yes. Observed: 2 variant alleles.
Comment: IQCE: BP4, BP7

PreventionGenetics, part of Exact Sciences
Classification: Likely benign for IQCE-related condition. Last evaluated: 2019-03-07. Review status: no assertion criteria provided. Collection method: clinical testing. Allele origin: germline. Not counted in ClinVar's aggregate classification.
Comment: This variant is classified as likely benign based on ACMG/AMP sequence variant interpretation guidelines (Richards et al. 2015 PMID: 25741868, with internal and published modifications).